The following is an entry in ClinVar:

ClinVar aggregate classification (germline): Benign/Likely benign. Review status: criteria provided, multiple submitters, no conflicts (2 of 4 stars). 5 submissions from 5 submitters: Benign (1); Likely benign (3). 1 of the submissions does not count toward it. Last evaluated 2026-02-01.

Conditions:
TUBGCP6-related disorder. Also called: TUBGCP6-related condition.
Inborn genetic diseases. Identifiers: MedGen C0950123, MeSH D030342.

Allele frequency attached by ClinVar (database versions not stated): gnomAD exomes 0.00050; ExAC 0.00090; 1000 Genomes Project 0.00140; 1000 Genomes Project 30x 0.00141; ESP Exome Variant Server 0.00185; TOPMed 0.00206; gnomAD 0.00212 and 0.00230.
gnomAD v4.1: 605 of 1,608,000 alleles (0.038%); highest among the groups gnomAD compares: African/African-American, 0.72%; 3 homozygotes.

Submissions (5):

Labcorp Genetics (formerly Invitae), Labcorp
Classification: Benign. Last evaluated: 2026-02-01. Review status: criteria provided, single submitter. Criteria: Invitae Variant Classification Sherloc (09022015). Collection method: clinical testing. Allele origin: germline.

Blueprint Genetics
Classification: Likely benign. Last evaluated: 2024-11-25. Review status: criteria provided, single submitter. Criteria: ACMG Guidelines, 2015. Collection method: clinical testing. Allele origin: germline.

Ambry Genetics
Classification: Likely benign for Inborn genetic diseases. Last evaluated: 2021-08-13. Review status: criteria provided, single submitter. Criteria: Ambry Variant Classification Scheme 2023. Collection method: clinical testing. Allele origin: germline.

GeneDx
Classification: Likely benign. Last evaluated: 2021-02-09. Review status: criteria provided, single submitter. Criteria: GeneDx Variant Classification Process June 2021. Collection method: clinical testing. Allele origin: germline. Affected: yes.

PreventionGenetics, part of Exact Sciences
Classification: Benign for TUBGCP6-related condition. Last evaluated: 2019-09-13. Review status: no assertion criteria provided. Collection method: clinical testing. Allele origin: germline. Not counted in ClinVar's aggregate classification.
Comment: This variant is classified as benign based on ACMG/AMP sequence variant interpretation guidelines (Richards et al. 2015 PMID: 25741868, with internal and published modifications).

NM_020461.4(TUBGCP6):c.1612G>A (p.Asp538Asn)

Gene: TUBGCP6 (tubulin gamma complex component 6; minus strand). Cytogenetic location: 22q13.33.
Variant type: single nucleotide variant.
Coding change: c.1612G>A on transcript NM_020461.4 (MANE Select); coding-DNA position 1612, G replaced by A.
Protein change: p.Asp538Asn; replaces aspartic acid 538 with asparagine.
Molecular consequence: missense variant.
Genome position (GRCh38, 1-based): chr22:50,226,368, C>T on the plus strand (G>A on the coding strand, the complement: TUBGCP6 is on the minus strand). VCF-style: chr22-50226368-C-T. GRCh37 (hg19) VCF-style: chr22-50664797-C-T.
Other names: short protein forms D538N.
Identifiers: ClinVar variation 730734 (VCV000730734.16), dbSNP rs139934957, ClinGen allele CA10308579.